The following is an entry in ClinVar:

NM_003611.3(OFD1):c.2620G>T (p.Glu874Ter)

Gene: OFD1 (OFD1 centriole and centriolar satellite protein; plus strand). Cytogenetic location: Xp22.2.
Variant type: single nucleotide variant.
Coding change: c.2620G>T on transcript NM_003611.3 (MANE Select); coding-DNA position 2620, G replaced by T.
Protein change: p.Glu874Ter; replaces glutamic acid 874 with a stop codon.
Molecular consequence: nonsense.
Genome position (GRCh38, 1-based): chrX:13,767,147, G>T. VCF-style: chrX-13767147-G-T. GRCh37 (hg19) VCF-style: chrX-13785266-G-T.
Other names: c.2500G>T, p.Glu834Ter (NM_001330209.2); c.2200G>T, p.Glu734Ter (NM_001330210.2); short protein forms E734*, E834*, E874*.
Identifiers: ClinVar variation 3376648 (VCV003376648.1).
Genomic context (GRCh38, chrX:13,767,147, plus strand): 5'-TCTGATACTGGAAGCTACTCTTTATTTTCTGTCCTATTAGGTGTAGATCAGAAACAAATT[G>T]AAGAACAAAAGGAAGAAGAAAAAATACGGGAACAGCAAGTGAAAGAACGAAGGCAGAGAG-3'

ClinVar aggregate classification (germline): Pathogenic (1 of 4 stars; one submission).

Conditions:
Orofaciodigital syndrome I (OFD1). Also called: OFDS I; Oral-Facial-Digital Syndrome Type I; Papillon-Leage and Psaume Syndrome. Identifiers: Orphanet 2750, MedGen C1510460, MONDO:0010702, OMIM 311200.

Submission:

Victorian Clinical Genetics Services, Murdoch Childrens Research Institute
Classification: Pathogenic for Orofaciodigital syndrome I. Last evaluated: 2022-02-02. Review status: criteria provided, single submitter. Criteria: ACMG Guidelines, 2015. Collection method: clinical testing. Allele origin: germline. Inheritance: X-linked inheritance. Affected: yes.
Comment: Based on the classification scheme VCGS_Germline_v1.3.4, this variant is classified as Pathogenic. Following criteria are met: 0102 - Loss of function is a known mechanism of disease in this gene and is associated with OFD1-related conditions. (I) 0109 - This gene is associated with X-linked disease. Most conditions associated with this gene are X-linked recessive, however orofaciodigital syndrome I (MIM#311200) is X-linked dominant. (I) 0115 - Variants in this gene are known to have variable expressivity. The same variants have been associated with several OFD1-related conditions and are known to have intra- and inter-familial variability (PMIDs: 31373179; 23033313). (I) 0201 - Variant is predicted to cause nonsense-mediated decay (NMD) and loss of protein (premature termination codon is located at least 54 nucleotides upstream of the final exon-exon junction). (SP) 0253 - This variant is hemizygous. (I) 0301 - Variant is absent from gnomAD (both v2 and v3). (SP) 0701 - Other NMD predicted variants comparable to the one identified in this case have very strong previous evidence for pathogenicity (DECIPHER). (SP) 0807 - This variant has no previous evidence of pathogenicity. (I) 0905 - No published segregation evidence has been identified for this variant. (I) 1007 - No published functional evidence has been identified for this variant. (SP) Legend: (SP) - Supporting pathogenic, (I) - Information, (SB) - Supporting benign

Literature cited by the submitters: PubMed 23033313; PubMed 31373179.